The following is an entry in ClinVar:

ClinVar aggregate classification (germline): Benign (1 of 4 stars; one submission).

gnomAD v4.1: 9,589 of 1,580,838 alleles (0.61%); highest among the groups gnomAD compares: South Asian, 1.6%; 55 homozygotes.

Submissions (4):

CeGaT Center for Human Genetics Tuebingen
Classification: Benign. Last evaluated: 2026-08-01. Review status: criteria provided, single submitter. Criteria: CeGaT Center For Human Genetics Tuebingen Variant Classification Criteria Version 2. Collection method: clinical testing. Allele origin: germline. Affected: yes. Observed: 1 variant allele.
Comment: PI4K2A: BP4, BS1, BS2

Dr. Peter K. Rogan Lab, Western University
No classification provided (evidence only). Condition: Sarcoma. Review status: no classification provided. Collection method: in vitro. Allele origin: not applicable. Functional consequence: skipped exon. Not counted in ClinVar's aggregate classification.

Dr. Peter K. Rogan Lab, Western University
No classification provided (evidence only). Condition: Hepatocellular carcinoma. Review status: no classification provided. Collection method: in vitro. Allele origin: not applicable. Functional consequence: retained intron. Not counted in ClinVar's aggregate classification.

Dr. Peter K. Rogan Lab, Western University
No classification provided (evidence only). Condition: Thymoma. Review status: no classification provided. Collection method: in vitro. Allele origin: not applicable. Functional consequence: retained intron. Not counted in ClinVar's aggregate classification.

NM_018425.4(PI4K2A):c.983G>A (p.Arg328Gln)

Gene: PI4K2A (phosphatidylinositol 4-kinase type 2 alpha; plus strand). Cytogenetic location: 10q24.2.
Variant type: single nucleotide variant.
Coding change: c.983G>A on transcript NM_018425.4 (MANE Select); coding-DNA position 983, G replaced by A.
Protein change: p.Arg328Gln; replaces arginine 328 with glutamine.
Molecular consequence: missense variant.
Genome position (GRCh38, 1-based): chr10:97,662,967, G>A. VCF-style: chr10-97662967-G-A. GRCh37 (hg19) VCF-style: chr10-99422724-G-A.
Other names: NC_000010.10:g.99422724G>A; short protein forms R328Q.
Identifiers: ClinVar variation 4366670 (VCV004366670.2).